The following is an entry in ClinVar:

NM_153717.3(EVC):c.363C>A (p.Tyr121Ter)

Gene: EVC (EvC ciliary complex subunit 1; plus strand). Cytogenetic location: 4p16.2.
Variant type: single nucleotide variant.
Coding change: c.363C>A on transcript NM_153717.3 (MANE Select); coding-DNA position 363, C replaced by A.
Protein change: p.Tyr121Ter; replaces tyrosine 121 with a stop codon.
Molecular consequence: nonsense.
Genome position (GRCh38, 1-based): chr4:5,729,369, C>A. VCF-style: chr4-5729369-C-A. GRCh37 (hg19) VCF-style: chr4-5731096-C-A.
Other names: c.363C>A, p.Tyr121Ter (NM_001306090.2, NM_001306092.2); short protein forms Y121*.
Identifiers: ClinVar variation 446662 (VCV000446662.20), dbSNP rs748523193, ClinGen allele CA91718338.

ClinVar aggregate classification (germline): Pathogenic. Review status: criteria provided, multiple submitters, no conflicts (2 of 4 stars). 5 submissions from 5 submitters: Pathogenic (2). 3 of the submissions do not count toward it. Last evaluated 2025-07-28.

Conditions:
Curry-Hall syndrome (WAD). Also called: WEYERS ACRODENTAL DYSOSTOSIS. Identifiers: Orphanet 952, MedGen C0457013, MONDO:0008673, OMIM 193530.
Ellis-van Creveld syndrome (EVC). Also called: Chondroectodermal dysplasia; MESOECTODERMAL DYSPLASIA; EVC-Related Ellis-van Creveld Syndrome; EVC2-Related Ellis-van Creveld Syndrome. Identifiers: Orphanet 289, MedGen C0013903, MONDO:0009162, OMIM 225500.
Short-rib thoracic dysplasia 6 with or without polydactyly (SRTD6). Also called: SHORT-RIB THORACIC DYSPLASIA 6 WITHOUT POLYDACTYLY; POLYDACTYLY WITH NEONATAL CHONDRODYSTROPHY, TYPE II; Majewski Syndrome; SHORT RIB-POLYDACTYLY SYNDROME, TYPE IIA; SHORT-RIB THORACIC DYSPLASIA 6 WITH POLYDACTYLY. Identifiers: MedGen C0024507, MONDO:0009894, OMIM 263520.

Allele frequency attached by ClinVar (database versions not stated): TOPMed 0.00001.
gnomAD v4.1: 3 of 1,614,080 alleles (0.00019%); highest among the groups gnomAD compares: Admixed American, 0.0033%; no homozygotes.

Submissions (5):

Labcorp Genetics (formerly Invitae), Labcorp
Classification: Pathogenic for Curry-Hall syndrome; Ellis-van Creveld syndrome. Last evaluated: 2025-07-28. Review status: criteria provided, single submitter. Criteria: Invitae Variant Classification Sherloc (09022015). Collection method: clinical testing. Allele origin: germline.
Comment: This sequence change creates a premature translational stop signal (p.Tyr121*) in the EVC gene. It is expected to result in an absent or disrupted protein product. Loss-of-function variants in EVC are known to be pathogenic (PMID: 23220543). This variant is present in population databases (no rsID available, gnomAD 0.003%). This premature translational stop signal has been observed in individual(s) with Ellis–van Creveld syndrome or short-rib polydactyly syndrome type II (PMID: 19810119, 29068549). ClinVar contains an entry for this variant (Variation ID: 446662). For these reasons, this variant has been classified as Pathogenic.

Natera, Inc.
Classification: Pathogenic for Ellis-van Creveld syndrome. Last evaluated: 2025-02-13. Review status: criteria provided, single submitter. Criteria: Natera Variant Classification Schema (03/2026). Collection method: clinical testing. Allele origin: germline.
Comment: The c.363C>A variant in EVC is a nonsense variant predicted to introduce a stop codon at amino acid 121. This variant is expected to result in nonsense mediated decay, truncation, or a dysfunctional protein product. This variant is rare in the general population with a frequency below the threshold expected for the associated phenotype(s). This variant has been observed in one or more individuals affected with the associated recessive disease, as either homozygous or compound heterozygous with a second variant (PMID: 19810119). Given the available evidence, this variant is classified as Pathogenic.

Dan Cohn Lab, University Of California Los Angeles
Classification: Pathogenic for Short-rib thoracic dysplasia 6 with or without polydactyly. Last evaluated: 2017-06-01. Review status: no assertion criteria provided. Collection method: research. Allele origin: inherited. Affected: yes. Not counted in ClinVar's aggregate classification.

Counsyl
Classification: Likely pathogenic for Ellis-van Creveld syndrome. Last evaluated: 2017-03-02. Review status: no assertion criteria provided. Collection method: clinical testing. Allele origin: unknown. Not counted in ClinVar's aggregate classification.

University of Washington Center for Mendelian Genomics, University of Washington
Classification: Likely pathogenic for short-rib polydactyly syndrome type II. Review status: no assertion criteria provided. Collection method: research. Allele origin: inherited. Affected: yes. Not counted in ClinVar's aggregate classification.

Literature cited by the submitters: PubMed 23220543 (cited by Labcorp Genetics (formerly Invitae), Labcorp); PubMed 19810119 (cited by 3 submitters); PubMed 29068549 (cited by 3 submitters).